The following is an entry in ClinVar:

NM_000051.4(ATM):c.8269G>C (p.Val2757Leu)

Genes: ATM (ATM serine/threonine kinase; plus strand), C11orf65 (chromosome 11 open reading frame 65; minus strand). Cytogenetic location: 11q22.3.
Variant type: single nucleotide variant.
Coding change: c.8269G>C on transcript NM_000051.4 (MANE Select); coding-DNA position 8269, G replaced by C.
Protein change: p.Val2757Leu; replaces valine 2757 with leucine.
Molecular consequence: missense variant. On other transcripts: intron variant (2).
Genome position (GRCh38, 1-based): chr11:108,343,222, G>C. VCF-style: chr11-108343222-G-C. GRCh37 (hg19) VCF-style: chr11-108213949-G-C.
Other names: c.8269G>C, p.Val2757Leu (NM_001351834.2); c.641-34151C>G (NM_001330368.2); c.695-7930C>G (NM_001351110.2); short protein forms V2757L.
Identifiers: ClinVar variation 524284 (VCV000524284.10), dbSNP rs761625350, ClinGen allele CA382516285.
Genomic context (GRCh38, chr11:108,343,222, plus strand): 5'-ATCATCAAATGCTCTTTAATGGCCTTTTAAAATTAAAAGGTATTTAATCTGTAACTCCAG[G>C]TGGTTCCCCTCTCTCAGCGAAGTGGTGTTCTTGAATGGTGCACAGGAACTGTCCCCATTG-3'
Protein context (NP_000042.3, residues 2747-2767): KRKLTICTYK[Val2757Leu]VPLSQRSGVL

ClinVar aggregate classification (germline): Uncertain significance. Review status: criteria provided, multiple submitters, no conflicts (2 of 4 stars). 2 submissions from 2 submitters: Uncertain significance (2). Last evaluated 2025-08-05.

Conditions:
Hereditary cancer-predisposing syndrome. Also called: Hereditary Cancer Syndrome; Neoplastic Syndromes, Hereditary; Tumor predisposition; Hereditary neoplastic syndrome. Identifiers: Orphanet 140162, MedGen C0027672, MeSH D009386, MONDO:0015356.
Ataxia-telangiectasia syndrome (AT). Also called: Cerebello-oculocutaneous telangiectasia; Immunodeficiency with ataxia telangiectasia; Ataxia-telangiectasia, complementation group E; Ataxia-telangiectasia, complementation group D; AT, COMPLEMENTATION GROUP C; ATAXIA-TELANGIECTASIA, COMPLEMENTATION GROUP A. Identifiers: Orphanet 100, MedGen C0004135, MONDO:0008840, OMIM 208900.

Submissions (2):

Ambry Genetics
Classification: Uncertain significance for Hereditary cancer-predisposing syndrome. Last evaluated: 2025-08-05. Review status: criteria provided, single submitter. Criteria: Ambry Variant Classification Scheme 2023. Collection method: clinical testing. Allele origin: germline.
Comment: The p.V2757L variant (also known as c.8269G>C) is located in coding exon 56 of the ATM gene. The valine at codon 2757 is replaced by leucine, an amino acid with highly similar properties. This change occurs in the first base pair of coding exon 56. This amino acid position is highly conserved in available vertebrate species. In addition, this alteration is predicted to be deleterious by in silico analysis. Based on the available evidence, the clinical significance of this variant remains unclear.

Labcorp Genetics (formerly Invitae), Labcorp
Classification: Uncertain significance for Ataxia-telangiectasia syndrome. Last evaluated: 2017-08-27. Review status: criteria provided, single submitter. Criteria: Invitae Variant Classification Sherloc (09022015). Collection method: clinical testing. Allele origin: germline.
Comment: In summary, the available evidence is currently insufficient to determine the role of this variant in disease. Therefore, it has been classified as a Variant of Uncertain Significance. Algorithms developed to predict the effect of sequence changes on RNA splicing suggest that this variant may disrupt the consensus splice site, but this prediction has not been confirmed by published transcriptional studies. Algorithms developed to predict the effect of missense changes on protein structure and function (SIFT, PolyPhen-2, Align-GVGD) all suggest that this variant is likely to be disruptive, but these predictions have not been confirmed by published functional studies and their clinical significance is uncertain. This variant has not been reported in the literature in individuals with ATM-related disease. This variant is not present in population databases (ExAC no frequency). This sequence change replaces valine with leucine at codon 2757 of the ATM protein (p.Val2757Leu). The valine residue is highly conserved and there is a small physicochemical difference between valine and leucine.